The following is an entry in ClinVar:

ClinVar aggregate classification (germline): Conflicting classifications of pathogenicity. Review status: criteria provided, conflicting classifications (1 of 4 stars). 4 submissions from 4 submitters: Uncertain significance (2); Likely benign (2). Last evaluated 2025-04-09.

Conditions:
Hereditary breast ovarian cancer syndrome. Also called: Hereditary breast and ovarian cancer syndrome; Hereditary breast and ovarian cancer; Hereditary breast and ovarian cancer syndrome (HBOC); Breast and ovarian cancer; Hereditary breast and/or ovarian cancer syndrome; BRCA1- and BRCA2-Associated Hereditary Breast and Ovarian Cancer. Identifiers: Orphanet 145, MedGen C0677776, MeSH D061325, MONDO:0003582. Disease mechanism: loss of function.
Hereditary cancer-predisposing syndrome. Also called: Neoplastic Syndromes, Hereditary; Tumor predisposition; Hereditary Cancer Syndrome; Hereditary neoplastic syndrome. Identifiers: Orphanet 140162, MedGen C0027672, MeSH D009386, MONDO:0015356.

gnomAD v4.1: 1 of 1,613,984 alleles (0.000062%); highest among the groups gnomAD compares: Non-Finnish European, 0.000085%; no homozygotes.

Submissions (4):

Molecular Diagnostics Laboratory, Catalan Institute of Oncology
Classification: Likely benign for Hereditary cancer-predisposing syndrome. Last evaluated: 2025-04-09. Review status: criteria provided, single submitter. Criteria: ClinGen BRCA1BRCA2 ACMG Specifications BRCA2 V1.0.0. Collection method: clinical testing. Allele origin: germline.
Comment: PM2_supporting, BP1_strong c.9573G>C, located in exon 26 of the BRCA2 gene, is predicted to result in the substitution of Tryptophan by Cysteine at codon 3191, p.(Trp3191Cys). This position is outside a (potentially) clinically important functional domain and, moreover, the SpliceAI algorithm predicts no significant impact on splicing (BP1_strong). It is not present in the population database gnomAD v2.1.1, non cancer dataset (PM2_supporting). To our knowledge, neither multifactorial analysis nor well-stablished functional studies have been reported for this variant. It has been reported in the ClinVar database (1x likely benign, 2x uncertain significance) and BRCA Exchange database (not yet reviewed), but it is not present in the LOVD database. Based on the currently available information, c.9573G>C is classified as a likely benign variant according to ClinGen-BRCA2 Guidelines version 1.0.0.

Quest Diagnostics Nichols Institute San Juan Capistrano
Classification: Uncertain significance. Last evaluated: 2024-11-04. Review status: criteria provided, single submitter. Criteria: Quest Diagnostics criteria. Collection method: clinical testing. Allele origin: unknown.
Comment: The BRCA2 c.9573G>C (p.Trp3191Cys) variant has been reported in the published literature in an individual undergoing multigene panel testing (PMID: 31853058 (2020).This variant has not been reported in large, multi-ethnic general populations (Genome Aggregation Database). Analysis of this variant using bioinformatics tools for the prediction of the effect of amino acid changes on protein structure and function yielded predictions that this variant is benign. Based on the available information, we are unable to determine the clinical significance of this variant.

Labcorp Genetics (formerly Invitae), Labcorp
Classification: Uncertain significance for Hereditary breast ovarian cancer syndrome. Last evaluated: 2023-10-20. Review status: criteria provided, single submitter. Criteria: Invitae Variant Classification Sherloc (09022015). Collection method: clinical testing. Allele origin: germline.
Comment: This sequence change replaces tryptophan, which is neutral and slightly polar, with cysteine, which is neutral and slightly polar, at codon 3191 of the BRCA2 protein (p.Trp3191Cys). This variant is not present in population databases (gnomAD no frequency). This variant has not been reported in the literature in individuals affected with BRCA2-related conditions. ClinVar contains an entry for this variant (Variation ID: 481513). Advanced modeling of protein sequence and biophysical properties (such as structural, functional, and spatial information, amino acid conservation, physicochemical variation, residue mobility, and thermodynamic stability) performed at Invitae indicates that this missense variant is not expected to disrupt BRCA2 protein function. In summary, the available evidence is currently insufficient to determine the role of this variant in disease. Therefore, it has been classified as a Variant of Uncertain Significance.

Ambry Genetics
Classification: Likely benign for Hereditary cancer-predisposing syndrome. Last evaluated: 2022-01-12. Review status: criteria provided, single submitter. Criteria: Ambry Variant Classification Scheme 2023. Collection method: clinical testing. Allele origin: germline.

Literature cited by the submitters: PubMed 31853058 (cited by Quest Diagnostics Nichols Institute San Juan Capistrano).

NM_000059.4(BRCA2):c.9573G>C (p.Trp3191Cys)

Gene: BRCA2 (BRCA2 DNA repair associated; plus strand). Cytogenetic location: 13q13.1.
Variant type: single nucleotide variant.
Coding change: c.9573G>C on transcript NM_000059.4 (MANE Select); coding-DNA position 9573, G replaced by C.
Protein change: p.Trp3191Cys; replaces tryptophan 3191 with cysteine.
Molecular consequence: missense variant.
Genome position (GRCh38, 1-based): chr13:32,396,969, G>C. VCF-style: chr13-32396969-G-C. GRCh37 (hg19) VCF-style: chr13-32971106-G-C.
Other names: short protein forms W3191C.
Identifiers: ClinVar variation 481513 (VCV000481513.10), dbSNP rs398122617, ClinGen allele CA387763366.